The following is an entry in ClinVar:

ClinVar aggregate classification (germline): Uncertain significance (1 of 4 stars; one submission).

Conditions:
Malignant hyperthermia, susceptibility to, 1 (MHS1). Also called: RYR1-Related Malignant Hyperthermia Susceptibility; Malignant hyperthermia suceptibility 1; Anesthesia related hyperthermia; Malignant hyperpyrexia; Fulminating hyperpyrexia; Pharmacogenic myopathy. Identifiers: Orphanet 423, MedGen C2930980, MONDO:0007783, OMIM 145600.

Submission:

Color Diagnostics, LLC DBA Color Health
Classification: Uncertain significance for Malignant hyperthermia, susceptibility to, 1. Last evaluated: 2025-09-10. Review status: criteria provided, single submitter. Criteria: ACMG Guidelines, 2015. Collection method: clinical testing. Allele origin: germline.
Comment: This variant causes a C to A nucleotide substitution at the -4 position of intron 28 of the RYR1 gene. To our knowledge, functional studies have not been reported for this variant. This variant has not been reported in individuals affected with RYR1-related disorders in the literature. This variant has not been identified in the general population by the Genome Aggregation Database (gnomAD). The available evidence is insufficient to determine the role of this variant in disease conclusively. Therefore, this variant is classified as a Variant of Uncertain Significance.

NM_000540.3(RYR1):c.4161-4C>A

Gene: RYR1 (ryanodine receptor 1; plus strand). Cytogenetic location: 19q13.2.
Variant type: single nucleotide variant.
Coding change: c.4161-4C>A on transcript NM_000540.3 (MANE Select); 4 bases into the intron before coding-DNA position 4161, C replaced by A.
Molecular consequence: intron variant.
Genome position (GRCh38, 1-based): chr19:38,475,314, C>A. VCF-style: chr19-38475314-C-A. GRCh37 (hg19) VCF-style: chr19-38965954-C-A.
Other names: c.4161-4C>A (NM_001042723.2).
Identifiers: ClinVar variation 4758055 (VCV004758055.1).